The following is an entry in ClinVar:

NM_001365276.2(TNXB):c.12396G>T (p.Gln4132His)

Genes: TNXB (tenascin XB; minus strand), LOC106780803 (tenascin XB recombination region; plus strand). Cytogenetic location: 6p21.33.
Variant type: single nucleotide variant.
Coding change: c.12396G>T on transcript NM_001365276.2 (MANE Select); coding-DNA position 12396, G replaced by T.
Protein change: p.Gln4132His; replaces glutamine 4132 with histidine.
Molecular consequence: missense variant.
Genome position (GRCh38, 1-based): chr6:32,042,085, C>A on the plus strand (G>T on the coding strand, the complement: TNXB is on the minus strand). VCF-style: chr6-32042085-C-A. GRCh37 (hg19) VCF-style: chr6-32009862-C-A.
Other names: c.13137G>T, p.Gln4379His (NM_001428335.1); c.12390G>T, p.Gln4130His (NM_019105.8); c.1683G>T, p.Gln561His (NM_032470.4); short protein forms Q4130H, Q4132H, Q4379H, Q561H.
Identifiers: ClinVar variation 4985669 (VCV004985669.1).

ClinVar aggregate classification (germline): Uncertain significance (1 of 4 stars; one submission).

Conditions:
TNXB-related disorder. Also called: TNXB-related condition.

Submission:

PreventionGenetics, part of Exact Sciences
Classification: Uncertain significance for TNXB-related condition. Last evaluated: 2026-05-04. Review status: criteria provided, single submitter. Criteria: ACMG Guidelines, 2015. Collection method: clinical testing. Allele origin: germline.
Comment: The TNXB c.12390G>T variant is predicted to result in the amino acid substitution p.Gln4130His. To our knowledge, this variant has not been reported in the literature or in a large population database (gnomAD), indicating this variant is rare. At this time, the clinical significance of this variant is uncertain due to the absence of conclusive functional and genetic evidence.